The following is an entry in ClinVar:

ClinVar aggregate classification (germline): Pathogenic. Review status: reviewed by expert panel (3 of 4 stars). 4 submissions from 4 submitters: Pathogenic (1). 3 of the submissions do not count toward it. Last evaluated 2025-07-31.

Conditions:
RPGR-related retinopathy. Also called: RPGR retinopathy. Identifiers: MedGen CN305589, MONDO:0100437.
RPGR-related disorder. Also called: RPGR-related condition.
Retinal dystrophy. Also called: Inherited retinal dystrophy. Identifiers: Orphanet 71862, MedGen C0854723, MeSH D058499, MONDO:0019118, HP:0000556.
Primary ciliary dyskinesia. Also called: Ciliary dyskinesia. Identifiers: Orphanet 244, MedGen C0008780, MONDO:0016575, HP:0012265.

Submissions (4):

ClinGen X-linked Inherited Retinal Disease Variant Curation Expert Panel, ClinGen
Classification: Pathogenic for RPGR-related retinopathy. Last evaluated: 2025-07-31. Review status: reviewed by expert panel. Criteria: ClinGen X LinkedIRD ACMG Specifications RPGR V1.0.0. Collection method: curation. Allele origin: germline. Inheritance: X-linked inheritance.
Comment: NM_001034853.2(RPGR):c.2007G>A (p.Trp669Ter) is a nonsense variant that introduces a premature stop codon at in amino acid 669 and is predicted to cause a truncated protein and to disrupt a critical C-terminal region required for proper glutamylation of RPGR (PVS1, PMID: 36445968). This variant is absent from gnomAD v4.1.0 (PM2_Supporting). This variant has been reported in at least 2 apparently unrelated probands meeting one of the PS4 requirements of a male with some functional vision impairment by age 30 years and/or decreased or absent electroretinogram responses, or a female with functional visual abnormality and documentation of a male relative affected with retinitis pigmentosa (PMID: 28863407, PMID: 35432464, PS4_Supporting). In summary, this variant is classified as pathogenic for RPGR-related retinopathy based on the ClinGen X-linked Inherited Retinal Disease Expert Panel Specifications to the ACMG/AMP Variant Interpretation Guidelines for RPGR Version 1.0.0: PVS1, PM2_Supporting, and PS4_supporting. (date of approval 05/16/2025).

Dept Of Ophthalmology, Nagoya University
Classification: Likely pathogenic for Retinal dystrophy. Last evaluated: 2023-10-01. Review status: criteria provided, single submitter. Criteria: Submitter's publication. Collection method: research. Allele origin: germline. Affected: yes. Not counted in ClinVar's aggregate classification.

Blueprint Genetics
Classification: Pathogenic for RPGR-related disorders. Last evaluated: 2022-11-03. Review status: criteria provided, single submitter. Criteria: ACMG Guidelines, 2015. Collection method: clinical testing. Allele origin: germline. Affected: yes. Observed: 3 variant alleles. Not counted in ClinVar's aggregate classification.

Labcorp Genetics (formerly Invitae), Labcorp
Classification: Pathogenic for Primary ciliary dyskinesia. Last evaluated: 2022-08-19. Review status: criteria provided, single submitter. Criteria: Invitae Variant Classification Sherloc (09022015). Collection method: clinical testing. Allele origin: germline. Not counted in ClinVar's aggregate classification.
Comment: This sequence change creates a premature translational stop signal (p.Trp669*) in the RPGR (ORF15) gene. While this is not anticipated to result in nonsense mediated decay, it is expected to disrupt the last 484 amino acid(s) of the RPGR (ORF15) protein. For these reasons, this variant has been classified as Pathogenic. This variant disrupts a region of the RPGR (ORF15) protein in which other variant(s) (p.Leu1130Lysfs*13) have been determined to be pathogenic (PMID: 22264887; Invitae). This suggests that this is a clinically significant region of the protein, and that variants that disrupt it are likely to be disease-causing. This premature translational stop signal has been observed in individual(s) with retinitis pigmentosa (PMID: 31054281). This variant is not present in population databases (gnomAD no frequency).

Literature cited by the submitters: PubMed 22264887 (cited by Labcorp Genetics (formerly Invitae), Labcorp); PubMed 31054281 (cited by Labcorp Genetics (formerly Invitae), Labcorp).

NM_001034853.2(RPGR):c.2007G>A (p.Trp669Ter)

Gene: RPGR (retinitis pigmentosa GTPase regulator; minus strand). Cytogenetic location: Xp11.4.
Variant type: single nucleotide variant.
Coding change: c.2007G>A on transcript NM_001034853.2 (MANE Select); coding-DNA position 2007, G replaced by A.
Protein change: p.Trp669Ter; replaces tryptophan 669 with a stop codon.
Molecular consequence: nonsense. On other transcripts: intron variant (8).
Genome position (GRCh38, 1-based): chrX:38,286,992, C>T on the plus strand (G>A on the coding strand, the complement: RPGR is on the minus strand). VCF-style: chrX-38286992-C-T. GRCh37 (hg19) VCF-style: chrX-38146245-C-T.
Other names: NM_001034853.2(RPGR):c.2007G>A; p.Trp669Ter; c.1569+3967G>A (NM_001367249.1, NM_001367250.1); c.1902+102G>A (NM_001367245.1); c.1386+3967G>A (NM_001367251.1); c.1719+102G>A (NM_001367246.1); c.1572+3967G>A (NM_001367247.1); c.1905+102G>A (NM_000328.3); and 1 more; short protein forms W669*.
Identifiers: ClinVar variation 2138538 (VCV002138538.7), dbSNP rs2519794257, ClinGen allele CA412731784.